The following is an entry in ClinVar:

NM_021005.4(NR2F2):c.1081G>C (p.Gly361Arg)

Gene: NR2F2 (nuclear receptor subfamily 2 group F member 2; plus strand). Cytogenetic location: 15q26.2.
Variant type: single nucleotide variant.
Coding change: c.1081G>C on transcript NM_021005.4 (MANE Select); coding-DNA position 1081, G replaced by C.
Protein change: p.Gly361Arg; replaces glycine 361 with arginine.
Molecular consequence: missense variant.
Genome position (GRCh38, 1-based): chr15:96,337,458, G>C. VCF-style: chr15-96337458-G-C. GRCh37 (hg19) VCF-style: chr15-96880687-G-C.
Other names: c.682G>C, p.Gly228Arg (NM_001145155.2); c.622G>C, p.Gly208Arg (NM_001145156.1, NM_001145157.2); short protein forms G208R, G228R, G361R.
Identifiers: ClinVar variation 1012381 (VCV001012381.39), dbSNP rs1899366753, ClinGen allele CA393931852.
Genomic context (GRCh38, chr15:96,337,458, plus strand): 5'-TCTCAGTGTGCTTTGGAAGAATACGTTAGGAGCCAGTACCCCAACCAGCCGACGAGATTC[G>C]GAAAGCTTTTGCTTCGCCTCCCTTCCCTCCGCACCGTCTCCTCCTCAGTCATAGAGCAAT-3'
Protein context (NP_066285.1, residues 351-371): SQYPNQPTRF[Gly361Arg]KLLLRLPSLR

ClinVar aggregate classification (germline): Uncertain significance. Review status: criteria provided, multiple submitters, no conflicts (2 of 4 stars). 2 submissions from 2 submitters: Uncertain significance (2). Last evaluated 2025-02-18.

Conditions:
Congenital heart defects, multiple types, 4 (CHTD4). Identifiers: MedGen C4014310, MONDO:0014344, OMIM 615779.

Submissions (2):

Labcorp Genetics (formerly Invitae), Labcorp
Classification: Uncertain significance for Congenital heart defects, multiple types, 4. Last evaluated: 2025-02-18. Review status: criteria provided, single submitter. Criteria: Invitae Variant Classification Sherloc (09022015). Collection method: clinical testing. Allele origin: germline.
Comment: This sequence change replaces glycine, which is neutral and non-polar, with arginine, which is basic and polar, at codon 361 of the NR2F2 protein (p.Gly361Arg). This variant is not present in population databases (gnomAD no frequency). This variant has not been reported in the literature in individuals affected with NR2F2-related conditions. ClinVar contains an entry for this variant (Variation ID: 1012381). Invitae Evidence Modeling of protein sequence and biophysical properties (such as structural, functional, and spatial information, amino acid conservation, physicochemical variation, residue mobility, and thermodynamic stability) indicates that this missense variant is expected to disrupt NR2F2 protein function with a positive predictive value of 80%. In summary, the available evidence is currently insufficient to determine the role of this variant in disease. Therefore, it has been classified as a Variant of Uncertain Significance.

CeGaT Center for Human Genetics Tuebingen
Classification: Uncertain significance. Last evaluated: 2020-10-01. Review status: criteria provided, single submitter. Criteria: CeGaT Center For Human Genetics Tuebingen Variant Classification Criteria Version 2. Collection method: clinical testing. Allele origin: germline. Affected: yes. Observed: 1 variant allele.